The following is an entry in ClinVar:

NM_001048174.2(MUTYH):c.849A>G (p.Arg283=)

Gene: MUTYH (mutY DNA glycosylase; minus strand). Cytogenetic location: 1p34.1.
Variant type: single nucleotide variant.
Coding change: c.849A>G on transcript NM_001048174.2 (MANE Select); coding-DNA position 849, A replaced by G.
Protein change: p.Arg283=; no amino-acid change (arginine 283 retained).
Molecular consequence: synonymous variant. On other transcripts: non-coding transcript variant (2).
Genome position (GRCh38, 1-based): chr1:45,332,166, T>C on the plus strand (A>G on the coding strand, the complement: MUTYH is on the minus strand). VCF-style: chr1-45332166-T-C. GRCh37 (hg19) VCF-style: chr1-45797838-T-C.
Other names: c.849A>G, p.Arg283= (NM_001048171.2, NM_001048173.2, NM_001293195.2); c.852A>G, p.Arg284= (NM_001048172.2); c.933A>G, p.Arg311= (NM_001128425.2); c.894A>G, p.Arg298= (NM_001293190.2); c.882A>G, p.Arg294= (NM_001293191.2); c.573A>G, p.Arg191= (NM_001293192.2, NM_001293196.2); c.504A>G, p.Arg168= (NM_001350650.2, NM_001350651.2); c.924A>G, p.Arg308= (NM_012222.3).
Identifiers: ClinVar variation 936532 (VCV000936532.11), dbSNP rs369973885, ClinGen allele CA417879897.

ClinVar aggregate classification (germline): Conflicting classifications of pathogenicity. Review status: criteria provided, conflicting classifications (1 of 4 stars). 3 submissions from 3 submitters: Uncertain significance (2); Likely benign (1). Last evaluated 2025-03-06.

Conditions:
Hereditary cancer-predisposing syndrome. Also called: Neoplastic Syndromes, Hereditary; Tumor predisposition; Hereditary Cancer Syndrome; Hereditary neoplastic syndrome. Identifiers: Orphanet 140162, MedGen C0027672, MeSH D009386, MONDO:0015356.
Familial adenomatous polyposis 2. Also called: Adenomas, multiple colorectal; MUTYH Polyposis; COLORECTAL ADENOMATOUS POLYPOSIS, AUTOSOMAL RECESSIVE; ADENOMAS, MULTIPLE COLORECTAL, AUTOSOMAL RECESSIVE; MUTYH-associated polyposis; MUTYH-related attenuated familial adenomatous polyposis. Identifiers: Orphanet 220460, Orphanet 247798, MedGen C3272841, MONDO:0012041, OMIM 608456.

Allele frequency attached by ClinVar (database versions not stated): TOPMed 0.00001.
gnomAD v4.1: 1 of 1,614,034 alleles (0.000062%); highest among the groups gnomAD compares: African/African-American, 0.0013%; no homozygotes.

Submissions (3):

Ambry Genetics
Classification: Uncertain significance for Hereditary cancer-predisposing syndrome. Last evaluated: 2025-03-06. Review status: criteria provided, single submitter. Criteria: Ambry Variant Classification Scheme 2023. Collection method: clinical testing. Allele origin: germline.
Comment: The c.933A>G variant (also known as p.R311R), located in coding exon 10 of the MUTYH gene, results from an A to G substitution at nucleotide position 933. This nucleotide substitution does not change the arginine at codon 311. However, this change occurs in the last base pair of coding exon 10, which makes it likely to have some effect on normal mRNA splicing. This nucleotide position is not well conserved in available vertebrate species. In silico splice site analysis predicts that this alteration will not have any significant effect on splicing. Based on the available evidence, the clinical significance of this variant remains unclear.

Myriad Genetics, Inc.
Classification: Likely benign for Familial adenomatous polyposis 2. Last evaluated: 2023-12-13. Review status: criteria provided, single submitter. Criteria: Myriad Autosomal Dominant, Autosomal Recessive and X-Linked Classification Criteria (2023). Collection method: clinical testing. Allele origin: unknown.
Comment: This variant is considered likely benign. This variant is a silent/synonymous amino acid change and it is not expected to impact splicing.

Labcorp Genetics (formerly Invitae), Labcorp
Classification: Uncertain significance for Familial adenomatous polyposis 2. Last evaluated: 2022-08-16. Review status: criteria provided, single submitter. Criteria: Invitae Variant Classification Sherloc (09022015). Collection method: clinical testing. Allele origin: germline.
Comment: This sequence change affects codon 311 of the MUTYH mRNA. It is a 'silent' change, meaning that it does not change the encoded amino acid sequence of the MUTYH protein. It affects a nucleotide within the consensus splice site. This variant is not present in population databases (gnomAD no frequency). This variant has not been reported in the literature in individuals affected with MUTYH-related conditions. ClinVar contains an entry for this variant (Variation ID: 936532). Algorithms developed to predict the effect of sequence changes on RNA splicing suggest that this variant is not likely to affect RNA splicing. In summary, the available evidence is currently insufficient to determine the role of this variant in disease. Therefore, it has been classified as a Variant of Uncertain Significance.